The following is an entry in ClinVar:

NM_001165963.4(SCN1A):c.1076A>T (p.Asn359Ile)

Gene: SCN1A (sodium voltage-gated channel alpha subunit 1; minus strand). Cytogenetic location: 2q24.3.
Variant type: single nucleotide variant.
Coding change: c.1076A>T on transcript NM_001165963.4 (MANE Select); coding-DNA position 1076, A replaced by T.
Protein change: p.Asn359Ile; replaces asparagine 359 with isoleucine.
Molecular consequence: missense variant. On other transcripts: 5 prime UTR variant (1), non-coding transcript variant (1).
Genome position (GRCh38, 1-based): chr2:166,047,721, T>A on the plus strand (A>T on the coding strand, the complement: SCN1A is on the minus strand). VCF-style: chr2-166047721-T-A. GRCh37 (hg19) VCF-style: chr2-166904231-T-A.
Other names: p.N359I:AAT>ATT; c.1076A>T, p.Asn359Ile (NM_001165964.3, NM_001202435.3, NM_001353948.2 and 10 more transcripts); c.-1350A>T (NM_001353961.2); short protein forms N359I.
Identifiers: ClinVar variation 206757 (VCV000206757.2), dbSNP rs794726713, ClinGen allele CA317193.

ClinVar aggregate classification (germline): Pathogenic (1 of 4 stars; one submission).

Submission:

GeneDx
Classification: Pathogenic. Last evaluated: 2014-02-25. Review status: criteria provided, single submitter. Criteria: GeneDx Variant Classification (06012015). Collection method: clinical testing. Allele origin: germline. Affected: yes.
Comment: p.Asn359Ile (AAT>ATT): c.1076 A>T in exon 8 of the SCN1A gene (NM_001165963.1) The Asn359Ile missense mutation in the SCN1A gene has been reported previously in association with Dravet syndrome (Gaily et al., 2013). Additionally, two other missense mutations have been reported at this same position (Asn359Ser and Asn359Thr). The variant is found in EPILEPSY panel(s).